The following is an entry in ClinVar:

NM_001282116.2(RFX3):c.269G>C (p.Gly90Ala)

Gene: RFX3 (regulatory factor X3; minus strand). Cytogenetic location: 9p24.2.
Variant type: single nucleotide variant.
Coding change: c.269G>C on transcript NM_001282116.2 (MANE Select); coding-DNA position 269, G replaced by C.
Protein change: p.Gly90Ala; replaces glycine 90 with alanine.
Molecular consequence: missense variant.
Genome position (GRCh38, 1-based): chr9:3,330,464, C>G on the plus strand (G>C on the coding strand, the complement: RFX3 is on the minus strand). VCF-style: chr9-3330464-C-G. GRCh37 (hg19) VCF-style: chr9-3330464-C-G.
Other names: c.269G>C, p.Gly90Ala (NM_001282117.2, NM_001377999.1, NM_002919.4 and 1 more transcripts); short protein forms G90A.
Identifiers: ClinVar variation 4537560 (VCV004537560.1).

ClinVar aggregate classification (germline): Uncertain significance (1 of 4 stars; one submission).

gnomAD v4.1: 1 of 1,613,898 alleles (0.000062%); highest among the groups gnomAD compares: Non-Finnish European, 0.000085%; no homozygotes.

Submission:

GeneDx
Classification: Uncertain significance. Last evaluated: 2025-06-09. Review status: criteria provided, single submitter. Criteria: GeneDx Variant Classification Process June 2021. Collection method: clinical testing. Allele origin: germline. Affected: yes.
Comment: Not observed at significant frequency in large population cohorts (gnomAD); In silico analysis suggests that this missense variant does not alter protein structure/function; Has not been previously published as pathogenic or benign to our knowledge